The following is an entry in ClinVar:

NM_007294.4(BRCA1):c.5530C>A (p.Leu1844Ile)

Gene: BRCA1 (BRCA1 DNA repair associated; minus strand). Cytogenetic location: 17q21.31.
Variant type: single nucleotide variant.
Coding change: c.5530C>A on transcript NM_007294.4 (MANE Select); coding-DNA position 5530, C replaced by A.
Protein change: p.Leu1844Ile; replaces leucine 1844 with isoleucine.
Molecular consequence: missense variant. On other transcripts: 3 prime UTR variant (1), non-coding transcript variant (1).
Genome position (GRCh38, 1-based): chr17:43,045,740, G>T on the plus strand (C>A on the coding strand, the complement: BRCA1 is on the minus strand). VCF-style: chr17-43045740-G-T. GRCh37 (hg19) VCF-style: chr17-41197757-G-T.
Other names: c.5593C>A, p.Leu1865Ile (NM_001407587.1, NM_001407583.1, NM_001407585.1 and 1 more transcripts); c.5590C>A, p.Leu1864Ile (NM_001407590.1, NM_001407591.1); c.5317C>A, p.Leu1773Ile (NM_001407571.1, NM_001407894.1, NM_001407895.1 and 12 more transcripts); c.5530C>A, p.Leu1844Ile (NM_001407593.1, NM_001407594.1, NM_001407596.1 and 5 more transcripts); c.5596C>A, p.Leu1866Ile (NM_001407581.1, NM_001407582.1); c.5527C>A, p.Leu1843Ile (NM_001407615.1, NM_001407616.1, NM_001407617.1 and 14 more transcripts); c.5524C>A, p.Leu1842Ile (NM_001407634.1, NM_001407635.1, NM_001407636.1 and 13 more transcripts); c.5449C>A, p.Leu1817Ile (NM_001407656.1, NM_001407657.1, NM_001407658.1); and 74 more; short protein forms L1844I, L1865I, L740I, L1797I, L1715I, L1716I, L1731I, L1733I.
Identifiers: ClinVar variation 482889 (VCV000482889.11), dbSNP rs1471435242, ClinGen allele CA10590261.

ClinVar aggregate classification (germline): Conflicting classifications of pathogenicity. Review status: criteria provided, conflicting classifications (1 of 4 stars). 3 submissions from 3 submitters: Uncertain significance (1); Likely benign (2). Last evaluated 2024-04-12.

Conditions:
Hereditary cancer-predisposing syndrome. Also called: Tumor predisposition; Hereditary Cancer Syndrome; Hereditary neoplastic syndrome; Neoplastic Syndromes, Hereditary. Identifiers: Orphanet 140162, MedGen C0027672, MeSH D009386, MONDO:0015356.
Breast-ovarian cancer, familial, susceptibility to, 1 (BROVCA1). Also called: BRCA1 Hereditary Breast and Ovarian Cancer; OVARIAN CANCER, SUSCEPTIBILITY TO. Identifiers: Orphanet 145, MedGen C2676676, MONDO:0011450, OMIM 604370. Disease mechanism: loss of function.

Allele frequency attached by ClinVar (database versions not stated): TOPMed 0.00002; gnomAD 0.00003.
gnomAD v4.1: 4 of 1,613,956 alleles (0.00025%); highest among the groups gnomAD compares: African/African-American, 0.0053%; no homozygotes.

Submissions (4):

Lupski Lab, Baylor-Hopkins CMG, Baylor College of Medicine
Classification: Likely benign for Breast-ovarian cancer, familial, susceptibility to, 1. Last evaluated: 2024-04-12. Review status: criteria provided, single submitter. Criteria: Dawood et al. (medRxiv. 2024). Collection method: curation. Allele origin: germline.
Comment: Each variant was annotated with functional scores from MAVE data which was translated into functional evidence codes. All other evidence codes and combining criteria were adhered to as closely as possible based on the ClinGen VCEP (Variant Curation Expert Panel) gene-specific recommendations. See Supplemental Figure 34 of final paper (Supp Fig. 28 in preprint: doi:10.1101/2024.04.11.24305690) for a table to see which lines of evidence we did not have data for. The ClinGen VCEPs are highly regarded as the gold-standard for gene-specific variant curation and are developed after extensive evaluation of the evidence by clinical and scientific experts for the particular gene to classify genomic variants on a spectrum from pathogenic to benign using the 2015 ACMG/AMP Variant Interpretation Guidelines as a backbone (PMID: 25741868). Reclassification of these VUS variants from gnomAD or All of Us focused only on variants originally prescribed as VUS in ClinVar. To ensure reproducibility, transparency, and increased throughput, all the procedures for annotating variants and assigning evidence codes were codified using Python. All code has been made freely available and is linked in the Code Availability section and all reclassified variants with evidence codes used can be found in Tables S18-19 (preprint: doi:10.1101/2024.04.11.24305690). For the MAVE data, the clinical curation and clinical strength assignment as per the ClinGen recommendations in Brnich et al. (2020) (PMID: 31892348) for or against pathogenicity or benignity of each of these MAVE datasets utilized in this study were previously published in Fayer et al. (2021) (PMID: 34793697).In brief, for BRCA1 variants, if a variant was categorized as FUNC (functional), it was assigned BS3 evidence and no PS3 evidence, whereas if it was categorized as LOF (loss of function), the variant was assigned PS3 evidence and no BS3 evidence. Variants categorized as INT (intermediate) were left unannotated. For the BRCA1 combining criteria, greater than or equal to 1 criteria of strong benign evidence was enough to reclassify the VUS as Likely Benign. This variant GRCh38:17:43045740:G>T was assigned evidence codes ['BS3', 'BP4'] and an overall classification of Likely benign

Ambry Genetics
Classification: Likely benign for Hereditary cancer-predisposing syndrome. Last evaluated: 2021-05-20. Review status: criteria provided, single submitter. Criteria: Ambry Variant Classification Scheme 2023. Collection method: clinical testing. Allele origin: germline.

GeneDx
Classification: Uncertain significance. Last evaluated: 2019-04-29. Review status: criteria provided, single submitter. Criteria: GeneDx Variant Classification Process June 2021. Collection method: clinical testing. Allele origin: germline. Affected: yes.
Comment: Not observed at a significant frequency in large population cohorts (Lek et al., 2016); This variant is associated with the following publications: (PMID: 30209399)

Brotman Baty Institute, University of Washington
No classification provided (evidence only). Condition: Breast-ovarian cancer, familial 1. Review status: no classification provided. Collection method: in vitro. Allele origin: not applicable. Functional consequence: functionally_normal. Not counted in ClinVar's aggregate classification.
ClinVar note: "not provided" was previously submitted as the classification for the variant. However, the classification appeared to be based only on an observation of functional data so it was converted to no classification on 2025-07-30.

Literature cited by the submitters: PubMed 39142283 (cited by Lupski Lab, Baylor-Hopkins CMG, Baylor College of Medicine); PubMed 34793697 (cited by Lupski Lab, Baylor-Hopkins CMG, Baylor College of Medicine); DOI 10.1101/2024.04.11.24305690 (cited by Lupski Lab, Baylor-Hopkins CMG, Baylor College of Medicine); PubMed 30209399 (cited by Ambry Genetics).